The following is an entry in ClinVar:

ClinVar aggregate classification (germline): Uncertain significance (1 of 4 stars; one submission).

Conditions:
Combined immunodeficiency due to LRBA deficiency. Also called: Common variable immunodeficiency 8, with autoimmunity. Identifiers: Orphanet 445018, MedGen C3553512, MONDO:0013863, OMIM 614700.

Allele frequency attached by ClinVar (database versions not stated): gnomAD exomes below 0.00001; ExAC 0.00001.
gnomAD v4.1: 4 of 1,610,354 alleles (0.00025%); highest among the groups gnomAD compares: Non-Finnish European, 0.00034%; no homozygotes.

Submission:

Labcorp Genetics (formerly Invitae), Labcorp
Classification: Uncertain significance for Combined immunodeficiency due to LRBA deficiency. Last evaluated: 2021-01-14. Review status: criteria provided, single submitter. Criteria: Invitae Variant Classification Sherloc (09022015). Collection method: clinical testing. Allele origin: germline.
Comment: This sequence change replaces alanine with valine at codon 714 of the LRBA protein (p.Ala714Val). The alanine residue is moderately conserved and there is a small physicochemical difference between alanine and valine. This variant is present in population databases (rs779937789, ExAC 0.002%). This variant has not been reported in the literature in individuals with LRBA-related conditions. Algorithms developed to predict the effect of missense changes on protein structure and function are either unavailable or do not agree on the potential impact of this missense change (SIFT: "Tolerated"; PolyPhen-2: "Probably Damaging"; Align-GVGD: "Class C0"). In summary, the available evidence is currently insufficient to determine the role of this variant in disease. Therefore, it has been classified as a Variant of Uncertain Significance.

NM_001364905.1(LRBA):c.2141C>T (p.Ala714Val)

Gene: LRBA (LPS responsive beige-like anchor protein; minus strand). Cytogenetic location: 4q31.3.
Variant type: single nucleotide variant.
Coding change: c.2141C>T on transcript NM_001364905.1 (MANE Select); coding-DNA position 2141, C replaced by T.
Protein change: p.Ala714Val; replaces alanine 714 with valine.
Molecular consequence: missense variant.
Genome position (GRCh38, 1-based): chr4:150,893,076, G>A on the plus strand (C>T on the coding strand, the complement: LRBA is on the minus strand). VCF-style: chr4-150893076-G-A. GRCh37 (hg19) VCF-style: chr4-151814228-G-A.
Other names: c.2141C>T, p.Ala714Val (NM_001199282.3, NM_001367550.1, NM_006726.5); short protein forms A714V.
Identifiers: ClinVar variation 1470273 (VCV001470273.8), dbSNP rs779937789, ClinGen allele CA3103353.
Genomic context (GRCh38, chr4:150,893,076, plus strand): 5'-CTAATCCCTTATATGAAATAGATTAAAAACTCTTACCGTAACCCATTCCTTTGGTCAAAA[G>A]CAGGAATCATAGAGTTAGGGTGTTCTGACATTAATGCAACAAGCAGCTGTAGGACATCCA-3'
Protein context (NP_001351834.1, residues 704-724): MSEHPNSMIP[Ala714Val]FDQRNGLRVI